The following is an entry in ClinVar:

ClinVar aggregate classification (germline): Uncertain significance (1 of 4 stars; one submission).

Conditions:
Inborn genetic diseases. Identifiers: MedGen C0950123, MeSH D030342.

Submission:

Ambry Genetics
Classification: Uncertain significance for Inborn genetic diseases. Last evaluated: 2025-01-14. Review status: criteria provided, single submitter. Criteria: Ambry Variant Classification Scheme 2023. Collection method: clinical testing. Allele origin: germline.
Comment: The p.Y117F variant (also known as c.350A>T), located in coding exon 2 of the ERCC6L2 gene, results from an A to T substitution at nucleotide position 350. The tyrosine at codon 117 is replaced by phenylalanine, an amino acid with highly similar properties. This amino acid position is conserved. In addition, the in silico prediction for this alteration is inconclusive. Based on the available evidence, the clinical significance of this variant remains unclear.

NM_020207.7(ERCC6L2):c.350A>T (p.Tyr117Phe)

Gene: ERCC6L2 (ERCC excision repair 6 like 2; plus strand). Cytogenetic location: 9q22.32.
Variant type: single nucleotide variant.
Coding change: c.350A>T on transcript NM_020207.7 (MANE Select); coding-DNA position 350, A replaced by T.
Protein change: p.Tyr117Phe; replaces tyrosine 117 with phenylalanine.
Molecular consequence: missense variant. On other transcripts: non-coding transcript variant (1).
Genome position (GRCh38, 1-based): chr9:95,881,172, A>T. VCF-style: chr9-95881172-A-T. GRCh37 (hg19) VCF-style: chr9-98643454-A-T.
Other names: c.350A>T, p.Tyr117Phe (NM_001010895.4, NM_001375291.1, NM_001375292.1 and 2 more transcripts); short protein forms Y117F.
Identifiers: ClinVar variation 3845876 (VCV003845876.1).